The following is an entry in ClinVar:

ClinVar aggregate classification (germline): Pathogenic/Likely pathogenic. Review status: criteria provided, multiple submitters, no conflicts (2 of 4 stars). 6 submissions from 6 submitters: Pathogenic (4); Likely pathogenic (1). 1 of the submissions does not count toward it. Last evaluated 2024-11-27.

Conditions:
Sanfilippo syndrome. Also called: Mucopolysaccharidosis Type III; Mucopolysaccharidosis type 3; Sanfilippo disease. Identifiers: Orphanet 581, MedGen C0026706, MONDO:0018937.
HGSNAT-related disorders.
Mucopolysaccharidosis, MPS-III-C (MPS3C). Also called: Mucopolysaccharidosis type IIIC (Sanfilippo C); MPS III C; MUCOPOLYSACCHARIDOSIS, TYPE IIIC; mucopolysaccharidosis type 3C; SANFILIPPO SYNDROME C; MPS IIIC (Sanfilippo Syndrome Type C). Identifiers: Orphanet 581, Orphanet 79271, MedGen C0086649, MONDO:0009657, OMIM 252930.
Retinitis pigmentosa 73 (RP73). Identifiers: Orphanet 791, MedGen C4225287, MONDO:0014687, OMIM 616544.

Submissions (6):

Natera, Inc.
Classification: Pathogenic for Mucopolysaccharidosis type IIIC. Last evaluated: 2024-11-27. Review status: criteria provided, single submitter. Criteria: Natera Variant Classification Schema (03/2026). Collection method: clinical testing. Allele origin: germline.
Comment: The c.1271dupG variant in HGSNAT is a frameshift variant predicted to shift the reading frame beginning at codon 425 and leads to a stop codon 45 codons downstream. This variant is expected to result in nonsense mediated decay, truncation, or a dysfunctional protein product. This variant is rare in the general population with a frequency below the threshold expected for the associated phenotype(s). This variant has been observed in one or more individuals affected with the associated recessive disease, as either homozygous or compound heterozygous with a second variant (PMID: 31228227, 19479962). Given the available evidence, this variant is classified as Pathogenic.

Labcorp Genetics (formerly Invitae), Labcorp
Classification: Pathogenic for Retinitis pigmentosa 73; Mucopolysaccharidosis, MPS-III-C. Last evaluated: 2024-02-24. Review status: criteria provided, single submitter. Criteria: Invitae Variant Classification Sherloc (09022015). Collection method: clinical testing. Allele origin: germline.
Comment: This sequence change creates a premature translational stop signal (p.Ile425Hisfs*45) in the HGSNAT gene. It is expected to result in an absent or disrupted protein product. Loss-of-function variants in HGSNAT are known to be pathogenic (PMID: 17033958, 19479962). This variant is not present in population databases (gnomAD no frequency). This premature translational stop signal has been observed in individual(s) with mucopolysaccharidosis type IIIC (PMID: 19479962). ClinVar contains an entry for this variant (Variation ID: 918132). For these reasons, this variant has been classified as Pathogenic.

Laboratory of Medical Genetics, National & Kapodistrian University of Athens
Classification: Likely pathogenic for Mucopolysaccharidosis, MPS-III-C. Last evaluated: 2024-02-01. Review status: criteria provided, single submitter. Criteria: ACMG Guidelines, 2015. Collection method: curation. Allele origin: germline. Affected: no.

Blueprint Genetics
Classification: Pathogenic for HGSNAT-related disorders. Last evaluated: 2022-09-05. Review status: criteria provided, single submitter. Criteria: ACMG Guidelines, 2015. Collection method: clinical testing. Allele origin: germline. Affected: yes. Observed: 4 variant alleles.

Women's Health and Genetics/Laboratory Corporation of America, LabCorp
Classification: Pathogenic for Sanfilippo syndrome. Last evaluated: 2020-03-20. Review status: criteria provided, single submitter. Criteria: LabCorp Variant Classification Summary - May 2015. Collection method: clinical testing. Allele origin: germline.
Comment: Variant summary: HGSNAT c.1271dupG (p.Ile425HisfsX45) results in a premature termination codon, predicted to cause a truncation of the encoded protein or absence of the protein due to nonsense mediated decay, which are commonly known mechanisms for disease. The variant was absent in 240376 control chromosomes (gnomAD). c.1271dupG has been reported in the literature in individuals affected with Mucopolysaccharidosis Type IIIC (Sanfilippo Syndrome C) (Feldhammer_2009, Martins_2019). These data indicate that the variant is likely to be associated with disease. To our knowledge, no experimental evidence demonstrating an impact on protein function has been reported. No clinical diagnostic laboratories have submitted clinical-significance assessments for this variant to ClinVar after 2014. Based on the evidence outlined above, the variant was classified as pathogenic.

Inherited Eye Disorders lab, UCL Institute of Ophthalmology
Classification: Pathogenic for Retinitis pigmentosa 73. Last evaluated: 2020-07-01. Review status: no assertion criteria provided. Collection method: clinical testing. Allele origin: inherited. Inheritance: Autosomal recessive inheritance. Affected: yes. Not counted in ClinVar's aggregate classification.

Literature cited by the submitters: PubMed 31228227 (cited by Natera, Inc. and Women's Health and Genetics/Laboratory Corporation of America, LabCorp); PubMed 19479962 (cited by 3 submitters); PubMed 17033958 (cited by Labcorp Genetics (formerly Invitae), Labcorp).

NM_152419.3(HGSNAT):c.1271dup (p.Ile425fs)

Gene: HGSNAT (heparan-alpha-glucosaminide N-acetyltransferase; plus strand). Cytogenetic location: 8p11.21.
Variant type: Duplication.
Coding change: c.1271dup on transcript NM_152419.3 (MANE Select); coding-DNA position 1271, one base duplicated (G; older notation c.1271dupG).
Protein change: p.Ile425fs; shifts the reading frame from isoleucine 425.
Molecular consequence: frameshift variant.
Genome position (GRCh38, 1-based): chr8:43,192,324, G duplicated; the last of 5 consecutive G bases (chr8:43,192,320-43,192,324); duplicating any one gives the same sequence. VCF-style (leftmost placement, unchanged base first): chr8-43192319-T-TG. GRCh37 (hg19) VCF-style: chr8-43047462-T-TG.
Other names: c.1271dup, p.Ile425fs (NM_001363227.2); c.1079dup, p.Ile361fs (NM_001363228.2); c.407dup, p.Ile137fs (NM_001363229.2); short protein forms I361fs, I137fs, I425fs.
Identifiers: ClinVar variation 918132 (VCV000918132.10), dbSNP rs1804565177, ClinGen allele CA1139660497.
Genomic context (GRCh38, chr8:43,192,319, plus strand): 5'-CCCTTATGAGGTCTTGTCATTTACATATGCTTTTCACCTTCCTAGTGGTTATCTTGGTCC[T>TG]GGGGGCATTGGAGATTTTGGCAAGTATCCAAATTGCACTGGAGGAGCTGCAGGCTACATC-3'